The following is an entry in ClinVar:

ClinVar aggregate classification (germline): Uncertain significance (1 of 4 stars; one submission).

Conditions:
Birt-Hogg-Dube syndrome. Also called: Birt Hogg Dubé syndrome. Identifiers: Orphanet 122, MedGen C0346010, MONDO:0800444.

Submission:

Labcorp Genetics (formerly Invitae), Labcorp
Classification: Uncertain significance for Birt-Hogg-Dube syndrome. Last evaluated: 2023-08-22. Review status: criteria provided, single submitter. Criteria: Invitae Variant Classification Sherloc (09022015). Collection method: clinical testing. Allele origin: germline.
Comment: In summary, the available evidence is currently insufficient to determine the role of this variant in disease. Therefore, it has been classified as a Variant of Uncertain Significance. Experimental studies and prediction algorithms are not available or were not evaluated, and the functional significance of this variant is currently unknown. This variant has not been reported in the literature in individuals affected with FLCN-related conditions. This variant is a gross deletion that occurs in a non-coding region of the FLCN gene. It does not change the encoded amino acid sequence of the FLCN protein.

NC_000017.10:g.(?_17135108)_(17136215_?)del

Gene: FLCN (folliculin; minus strand). Cytogenetic location: 17p11.2.
Variant type: Deletion.
Identifiers: ClinVar variation 1064365 (VCV001064365.3).